The following is an entry in ClinVar:

ClinVar aggregate classification (germline): Likely pathogenic (1 of 4 stars; one submission).

Conditions:
Mucopolysaccharidosis, MPS-II (MPS2). Also called: Hunter Syndrome; IDURONATE 2-SULFATASE DEFICIENCY; Mucopolysaccharidosis Type II; Mucopolysaccharidosis type 2; Attenuated MPS (subtype; formerly known as mild MPS II); Severe MPS II. Identifiers: Orphanet 580, Orphanet 79388, MedGen C0026705, MONDO:0010674, OMIM 309900.

Submission:

Laboratory of Diagnosis and Therapy of Lysosomal Disorders, University of Padova
Classification: Likely pathogenic for Mucopolysaccharidosis, MPS-II. Last evaluated: 2024-06-07. Review status: criteria provided, single submitter. Criteria: ACMG Guidelines, 2015. Collection method: literature only. Allele origin: germline. Affected: yes. Observed: 2 variant alleles.
Comment: Absent from controls (or at low frequency) in gnomAD database (PM2_Moderate), Missense variant in a gene with a low rate of benign missense variation (PP2_Supporting), Multiple lines of computational evidence support a deleterious effect (PP3_Supporting), Patient’s phenotype or family history highly specific for the disease (PP4_Strong)

Classification method: ACMG Guidelines [PMID:25741868] with modifications

Literature cited by the submitters: PubMed 36713083; PubMed 34670126.

NM_000202.8(IDS):c.325T>G (p.Trp109Gly)

Gene: IDS (iduronate 2-sulfatase; minus strand). Cytogenetic location: Xq28.
Variant type: single nucleotide variant.
Coding change: c.325T>G on transcript NM_000202.8 (MANE Select); coding-DNA position 325, T replaced by G.
Protein change: p.Trp109Gly; replaces tryptophan 109 with glycine.
Molecular consequence: missense variant. On other transcripts: non-coding transcript variant (1).
Genome position (GRCh38, 1-based): chrX:149,503,405, A>C on the plus strand (T>G on the coding strand, the complement: IDS is on the minus strand). VCF-style: chrX-149503405-A-C. GRCh37 (hg19) VCF-style: chrX-148584935-A-C.
Other names: c.55T>G, p.Trp19Gly (NM_001166550.4); c.325T>G, p.Trp109Gly (NM_006123.5); short protein forms W109G, W19G.
Identifiers: ClinVar variation 3255671 (VCV003255671.2).